The following is an entry in ClinVar:

NM_001289808.2(CRYAB):c.59C>G (p.Pro20Arg)

Gene: CRYAB (crystallin alpha B; minus strand). Cytogenetic location: 11q23.1.
Variant type: single nucleotide variant.
Coding change: c.59C>G on transcript NM_001289808.2 (MANE Select); coding-DNA position 59, C replaced by G.
Protein change: p.Pro20Arg; replaces proline 20 with arginine.
Molecular consequence: missense variant.
Genome position (GRCh38, 1-based): chr11:111,911,666, G>C on the plus strand (C>G on the coding strand, the complement: CRYAB is on the minus strand). VCF-style: chr11-111911666-G-C. GRCh37 (hg19) VCF-style: chr11-111782390-G-C.
Other names: c.59C>G, p.Pro20Arg (NM_001289807.1, NM_001368245.1, NM_001885.3); short protein forms P20R.
Identifiers: ClinVar variation 4709887 (VCV004709887.1), dbSNP rs2137384847.

ClinVar aggregate classification (germline): Pathogenic (1 of 4 stars; one submission).

Conditions:
Dilated cardiomyopathy 1II (CMD1II). Identifiers: Orphanet 154, MedGen C3554649, MONDO:0014073, OMIM 615184.

Submission:

Labcorp Genetics (formerly Invitae), Labcorp
Classification: Pathogenic for Dilated cardiomyopathy 1II. Last evaluated: 2025-07-31. Review status: criteria provided, single submitter. Criteria: Invitae Variant Classification Sherloc (09022015). Collection method: clinical testing. Allele origin: germline.
Comment: This sequence change replaces proline, which is neutral and non-polar, with arginine, which is basic and polar, at codon 20 of the CRYAB protein (p.Pro20Arg). This variant is not present in population databases (gnomAD no frequency). This missense change has been observed in individual(s) with autosomal dominant congenital cataract (PMID: 25195561). It has also been observed to segregate with disease in related individuals. An algorithm developed to predict the effect of missense changes on protein structure and function (PolyPhen-2) suggests that this variant is likely to be disruptive. Experimental studies have shown that this missense change affects CRYAB function (PMID: 28007594). For these reasons, this variant has been classified as Pathogenic.

Literature cited by the submitters: PubMed 25195561; PubMed 28007594.